The following is an entry in ClinVar:

ClinVar aggregate classification (germline): Benign/Likely benign. Review status: criteria provided, multiple submitters, no conflicts (2 of 4 stars). 4 submissions from 4 submitters: Benign (2); Likely benign (2). Last evaluated 2026-02-01.

Conditions:
Cone dystrophy 3 (COD3). Also called: RETINAL CONE DYSTROPHY. Identifiers: Orphanet 1872, MedGen C1865869, MONDO:0011193, OMIM 602093.

Allele frequency attached by ClinVar (database versions not stated): gnomAD exomes 0.00038 and 0.00081; ExAC 0.00101; gnomAD 0.00362 and 0.00387; 1000 Genomes Project 0.00399; TOPMed 0.00399; 1000 Genomes Project 30x 0.00422; ESP Exome Variant Server 0.00454.
gnomAD v4.1: 1,120 of 1,613,648 alleles (0.069%); highest among the groups gnomAD compares: African/African-American, 1.3%; 7 homozygotes.

Submissions (4):

Labcorp Genetics (formerly Invitae), Labcorp
Classification: Benign. Last evaluated: 2026-02-01. Review status: criteria provided, single submitter. Criteria: Invitae Variant Classification Sherloc (09022015). Collection method: clinical testing. Allele origin: germline.

Blueprint Genetics
Classification: Likely benign. Last evaluated: 2024-09-04. Review status: criteria provided, single submitter. Criteria: ACMG Guidelines, 2015. Collection method: clinical testing. Allele origin: germline.

Illumina Laboratory Services, Illumina
Classification: Likely benign for Cone dystrophy 3. Last evaluated: 2017-06-09. Review status: criteria provided, single submitter. Criteria: ICSL Variant Classification Criteria 13 December 2019. Collection method: clinical testing. Allele origin: germline.
Comment: This variant was observed as part of a predisposition screen in an ostensibly healthy population. A literature search was performed for the gene, cDNA change, and amino acid change (where applicable). No publications were found based on this search. Allele frequency data from public databases allowed determination this variant is unlikely to cause disease. Therefore, this variant is classified as likely benign.

Eurofins Ntd Llc (ga)
Classification: Benign. Last evaluated: 2014-05-14. Review status: criteria provided, single submitter. Criteria: EGL Classification Definitions 2015. Collection method: clinical testing. Allele origin: germline. Observed: 1 variant allele, 1 heterozygote.

NM_001384910.1(GUCA1A):c.9C>T (p.Asn3=)

Genes: GUCA1A (guanylate cyclase activator 1A; plus strand), GUCA1ANB-GUCA1A (GUCA1ANB-GUCA1A readthrough; plus strand). Cytogenetic location: 6p21.1.
Variant type: single nucleotide variant.
Coding change: c.9C>T on transcript NM_001384910.1 (MANE Select); coding-DNA position 9, C replaced by T.
Protein change: p.Asn3=; no amino-acid change (asparagine 3 retained).
Molecular consequence: synonymous variant.
Genome position (GRCh38, 1-based): chr6:42,173,622, C>T. VCF-style: chr6-42173622-C-T. GRCh37 (hg19) VCF-style: chr6-42141360-C-T.
Other names: c.9C>T, p.Asn3= (NM_000409.5, NM_001319061.2, NM_001319062.2).
Identifiers: ClinVar variation 196267 (VCV000196267.20), dbSNP rs116114043, ClinGen allele CA202252.
Genomic context (GRCh38, chr6:42,173,622, plus strand): 5'-CAGCGAACAGGGCCTGTCCATCTCAGACGTCAGCCCCCTGAAGGCCTGAGCAATGGGCAA[C>T]GTGATGGAGGGAAAGTCAGTGGAGGAGCTGAGCAGCACCGAGTGCCACCAGTGGTACAAG-3'
Protein context (NP_001371839.1, residues 1-13): MG[Asn3=]VMEGKSVEEL